The following is an entry in ClinVar:

NC_012920.1(MT-ATP8):m.8507A>G

Gene: MT-ATP8 (mitochondrially encoded ATP synthase 8; plus strand).
Variant type: single nucleotide variant.
Genome position: chrM-8507-A-G.
Identifiers: ClinVar variation 692881 (VCV000692881.1), dbSNP rs1603221546, ClinGen allele CA414796407.

ClinVar aggregate classification (germline): Likely benign (1 of 4 stars; one submission).

Conditions:
Leigh syndrome (NULS). Also called: Leigh's necrotizing encephalopathy; Leigh's disease; Leigh Syndrome (mtDNA deletion); Leigh Disease; Subacute necrotizing encephalopathy; Necrotizing encephalopathy infantile subacute of Leigh. Identifiers: Orphanet 506, MedGen C2931891, MONDO:0009723, OMIM 256000.

Submission:

Wong Mito Lab, Molecular and Human Genetics, Baylor College of Medicine
Classification: Likely benign for Leigh syndrome. Last evaluated: 2019-10-17. Review status: criteria provided, single submitter. Criteria: Modified ACMG Guidelines (Unpublished). Collection method: clinical testing. Allele origin: germline.
Comment: The NC_012920.1:m.8507A>G (YP_003024030.1:p.Asn48Asp) variant in MTATP8 gene is interpretated to be a Likely Benign variant based on the modified ACMG guidelines (unpublished). This variant meets the following evidence codes: BP4, BP6